The following is an entry in ClinVar:

NM_013382.7(POMT2):c.1981del (p.Leu661fs)

Gene: POMT2 (protein O-mannosyltransferase 2; minus strand). Cytogenetic location: 14q24.3.
Variant type: Deletion.
Coding change: c.1981del on transcript NM_013382.7 (MANE Select); coding-DNA position 1981, one base deleted (C; older notation c.1981delC).
Protein change: p.Leu661fs; shifts the reading frame from leucine 661.
Molecular consequence: frameshift variant.
Genome position (GRCh38, 1-based): chr14:77,278,780, G deleted on the plus strand (C on the coding strand, the reverse complement: POMT2 is on the minus strand); the first of 2 consecutive G bases (chr14:77,278,780-77,278,781); deleting either gives the same sequence. VCF-style (leftmost placement, unchanged base first): chr14-77278779-AG-A. GRCh37 (hg19) VCF-style: chr14-77745122-AG-A.
Other names: short protein forms L661fs.
Identifiers: ClinVar variation 2033046 (VCV002033046.4), dbSNP rs2503155393, ClinGen allele CA2580088830.

ClinVar aggregate classification (germline): Pathogenic (1 of 4 stars; one submission).

Conditions:
Muscular dystrophy-dystroglycanopathy (congenital with impaired intellectual development), type B, 2. Also called: MUSCULAR DYSTROPHY, CONGENITAL, POMT2-RELATED; Muscular dystrophy-dystroglycanopathy (congenital with intellectual disability), type B2. Identifiers: MedGen C3150416, MONDO:0013160, OMIM 613156.
Muscular dystrophy-dystroglycanopathy (congenital with brain and eye anomalies), type A2. Also called: MUSCULAR DYSTROPHY-DYSTROGLYCANOPATHY (CONGENITAL WITH BRAIN AND EYE ANOMALIES), TYPE A, 2; WALKER-WARBURG SYNDROME OR MUSCLE-EYE-BRAIN DISEASE, POMT2-RELATED. Identifiers: Orphanet 588, Orphanet 899, MedGen C3150411, MONDO:0013154, OMIM 613150.
Autosomal recessive limb-girdle muscular dystrophy type 2N. Also called: MUSCULAR DYSTROPHY-DYSTROGLYCANOPATHY, LIMB-GIRDLE, POMT2-RELATED; Muscular dystrophy-dystroglycanopathy (limb-girdle), type C, 2. Identifiers: Orphanet 206559, MedGen C3150418, MONDO:0013162, OMIM 613158.

Submission:

Labcorp Genetics (formerly Invitae), Labcorp
Classification: Pathogenic for Muscular dystrophy-dystroglycanopathy (congenital with impaired intellectual development), type B, 2; Muscular dystrophy-dystroglycanopathy (congenital with brain and eye anomalies), type A2; Autosomal recessive limb-girdle muscular dystrophy type 2N. Last evaluated: 2026-01-19. Review status: criteria provided, single submitter. Criteria: Invitae Variant Classification Sherloc (09022015). Collection method: clinical testing. Allele origin: germline.
Comment: This sequence change creates a premature translational stop signal (p.Leu661Serfs*16) in the POMT2 gene. It is expected to result in an absent or disrupted protein product. Loss-of-function variants in POMT2 are known to be pathogenic (PMID: 15894594). This variant is not present in population databases (gnomAD no frequency). This variant has not been reported in the literature in individuals affected with POMT2-related conditions. ClinVar contains an entry for this variant (Variation ID: 2033046). Algorithms developed to predict the effect of sequence changes on RNA splicing suggest that this variant may disrupt the consensus splice site. For these reasons, this variant has been classified as Pathogenic.

Literature cited by the submitters: PubMed 15894594.